The following is an entry in ClinVar:

ClinVar aggregate classification (germline): Pathogenic. Review status: criteria provided, multiple submitters, no conflicts (2 of 4 stars). 2 submissions from 2 submitters: Pathogenic (2). Last evaluated 2025-09-07.

Conditions:
RYR1-related disorder. Also called: RYR1-related condition; RYR1-related disorders. Identifiers: MedGen CN239331.

Submissions (2):

GeneDx
Classification: Pathogenic. Last evaluated: 2025-09-07. Review status: criteria provided, single submitter. Criteria: GeneDx Variant Classification Process June 2021. Collection method: clinical testing. Allele origin: germline. Affected: yes.
Comment: Frameshift variant predicted to result in protein truncation or nonsense mediated decay in a gene for which loss of function is a known mechanism of disease; Not observed at significant frequency in large population cohorts (gnomAD); Has not been previously published as pathogenic or benign to our knowledge

Labcorp Genetics (formerly Invitae), Labcorp
Classification: Pathogenic for RYR1-related disorder. Last evaluated: 2024-05-15. Review status: criteria provided, single submitter. Criteria: Invitae Variant Classification Sherloc (09022015). Collection method: clinical testing. Allele origin: germline.
Comment: This sequence change creates a premature translational stop signal (p.Leu1693Glyfs*79) in the RYR1 gene. It is expected to result in an absent or disrupted protein product. Loss-of-function variants in RYR1 are known to be pathogenic (PMID: 23919265, 25960145, 28818389, 30611313). Information on the frequency of this variant in the gnomAD database is not available, as this variant may be reported differently in the database. This variant has not been reported in the literature in individuals affected with RYR1-related conditions. For these reasons, this variant has been classified as Pathogenic.

Literature cited by the submitters: PubMed 23919265 (cited by Labcorp Genetics (formerly Invitae), Labcorp); PubMed 25960145 (cited by Labcorp Genetics (formerly Invitae), Labcorp); PubMed 28818389 (cited by Labcorp Genetics (formerly Invitae), Labcorp); PubMed 30611313 (cited by Labcorp Genetics (formerly Invitae), Labcorp).

NM_000540.3(RYR1):c.5077_5078delinsG (p.Leu1693fs)

Gene: RYR1 (ryanodine receptor 1; plus strand). Cytogenetic location: 19q13.2.
Variant type: Indel.
Coding change: c.5077_5078delinsG on transcript NM_000540.3 (MANE Select); coding-DNA positions 5077 to 5078, CT replaced by G.
Protein change: p.Leu1693fs; shifts the reading frame from leucine 1693.
Molecular consequence: frameshift variant.
Genome position (GRCh38, 1-based): chr19:38,485,732-38,485,733, CT replaced by G. VCF-style: chr19-38485732-CT-G. GRCh37 (hg19) VCF-style: chr19-38976372-CT-G.
Other names: c.5077_5078delinsG (NM_000540.2); c.5077_5078delinsG, p.Leu1693fs (NM_001042723.2); short protein forms L1693fs.
Identifiers: ClinVar variation 817969 (VCV000817969.7), dbSNP rs1600770908, ClinGen allele CA915952989.